The following is an entry in ClinVar:

NM_013247.5(HTRA2):c.1324C>T (p.Arg442Trp)

Genes: HTRA2 (HtrA serine peptidase 2; plus strand), LOXL3 (lysyl oxidase like 3; minus strand). Cytogenetic location: 2p13.1.
Variant type: single nucleotide variant.
Coding change: c.1324C>T on transcript NM_013247.5 (MANE Select); coding-DNA position 1324, C replaced by T.
Protein change: p.Arg442Trp; replaces arginine 442 with tryptophan.
Molecular consequence: missense variant. On other transcripts: non-coding transcript variant (4), 3 prime UTR variant (3).
Genome position (GRCh38, 1-based): chr2:74,532,932, C>T. VCF-style: chr2-74532932-C-T. GRCh37 (hg19) VCF-style: chr2-74760059-C-T.
Other names: c.1258C>T, p.Arg420Trp (NM_001321727.1); c.1228C>T, p.Arg410Trp (NM_001321728.1); c.1033C>T, p.Arg345Trp (NM_145074.2); c.*674G>A (NM_001289164.3, NM_001289165.2, NM_032603.5); short protein forms R345W, R410W, R420W, R442W.
Identifiers: ClinVar variation 5037164 (VCV005037164.1).

ClinVar aggregate classification (germline): Uncertain significance (1 of 4 stars; one submission).

gnomAD v4.1: 1 of 1,613,660 alleles (0.000062%); highest among the groups gnomAD compares: Non-Finnish European, 0.000085%; no homozygotes.

Submission:

GeneDx
Classification: Uncertain significance. Last evaluated: 2026-04-16. Review status: criteria provided, single submitter. Criteria: GeneDx Variant Classification Process June 2021. Collection method: clinical testing. Allele origin: germline.
Comment: Not observed at significant frequency in large population cohorts (gnomAD); In silico analysis supports that this missense variant has a deleterious effect on protein structure/function; Has not been previously published as pathogenic or benign to our knowledge